The following is an entry in ClinVar:

ClinVar aggregate classification (germline): Uncertain significance (1 of 4 stars; one submission).

Conditions:
Cardiovascular phenotype. Identifiers: MedGen CN230736.

Allele frequency attached by ClinVar (database versions not stated): gnomAD 0.00001; TOPMed 0.00001.
gnomAD v4.1: 2 of 1,613,222 alleles (0.00012%); highest among the groups gnomAD compares: African/African-American, 0.0027%; no homozygotes.

Submission:

Ambry Genetics
Classification: Uncertain significance for Cardiovascular phenotype. Last evaluated: 2022-02-12. Review status: criteria provided, single submitter. Criteria: Ambry Variant Classification Scheme 2023. Collection method: clinical testing. Allele origin: germline.
Comment: The p.P225A variant (also known as c.673C>G), located in coding exon 5 of the SCN4B gene, results from a C to G substitution at nucleotide position 673. The proline at codon 225 is replaced by alanine, an amino acid with highly similar properties. This amino acid position is conserved. In addition, the in silico prediction for this alteration is inconclusive. Since supporting evidence is limited at this time, the clinical significance of this alteration remains unclear.

NM_174934.4(SCN4B):c.673C>G (p.Pro225Ala)

Gene: SCN4B (sodium voltage-gated channel beta subunit 4; minus strand). Cytogenetic location: 11q23.3.
Variant type: single nucleotide variant.
Coding change: c.673C>G on transcript NM_174934.4 (MANE Select); coding-DNA position 673, C replaced by G.
Protein change: p.Pro225Ala; replaces proline 225 with alanine.
Molecular consequence: missense variant. On other transcripts: non-coding transcript variant (1).
Genome position (GRCh38, 1-based): chr11:118,137,041, G>C on the plus strand (C>G on the coding strand, the complement: SCN4B is on the minus strand). VCF-style: chr11-118137041-G-C. GRCh37 (hg19) VCF-style: chr11-118007756-G-C.
Other names: c.271C>G, p.Pro91Ala (NM_001142348.2); c.343C>G, p.Pro115Ala (NM_001142349.2); short protein forms P115A, P225A, P91A.
Identifiers: ClinVar variation 1755180 (VCV001755180.2), dbSNP rs1352900290, ClinGen allele CA382776472.
Genomic context (GRCh38, chr11:118,137,041, plus strand): 5'-TCATCAGAAAGGGGGCTCCCTGCAGCTGCTCAGCCCGAAGCAGGGCTCACACTTTTGAAG[G>C]TGGTTTCTCCTCTGCCTTGGAGCCAGGCAAGCCGTTCTCCGTGTTGTCATTCCCCGAGGA-3'
Protein context (NP_777594.1, residues 215-228): LPGSKAEEKP[Pro225Ala]SKV